The following is an entry in ClinVar:

NM_032040.5(CCDC8):c.710C>T (p.Ser237Leu)

Gene: CCDC8 (coiled-coil domain containing 8; minus strand). Cytogenetic location: 19q13.32.
Variant type: single nucleotide variant.
Coding change: c.710C>T on transcript NM_032040.5 (MANE Select); coding-DNA position 710, C replaced by T.
Protein change: p.Ser237Leu; replaces serine 237 with leucine.
Molecular consequence: missense variant.
Genome position (GRCh38, 1-based): chr19:46,412,101, G>A on the plus strand (C>T on the coding strand, the complement: CCDC8 is on the minus strand). VCF-style: chr19-46412101-G-A. GRCh37 (hg19) VCF-style: chr19-46915358-G-A.
Other names: c.710C>T (NM_032040.3); short protein forms S237L.
Identifiers: ClinVar variation 2179944 (VCV002179944.3), dbSNP rs376925934, ClinGen allele CA9528655.

ClinVar aggregate classification (germline): Uncertain significance. Review status: criteria provided, multiple submitters, no conflicts (2 of 4 stars). 2 submissions from 2 submitters: Uncertain significance (2). Last evaluated 2024-01-16.

Conditions:
Inborn genetic diseases. Identifiers: MedGen C0950123, MeSH D030342.

Allele frequency attached by ClinVar (database versions not stated): gnomAD 0.00003; TOPMed 0.00005; ExAC 0.00007; ESP Exome Variant Server 0.00008; gnomAD exomes 0.00008.

Submissions (2):

Ambry Genetics
Classification: Uncertain significance for Inborn genetic diseases. Last evaluated: 2024-01-16. Review status: criteria provided, single submitter. Criteria: Ambry Variant Classification Scheme 2023. Collection method: clinical testing. Allele origin: germline.

Labcorp Genetics (formerly Invitae), Labcorp
Classification: Uncertain significance. Last evaluated: 2023-08-24. Review status: criteria provided, single submitter. Criteria: Invitae Variant Classification Sherloc (09022015). Collection method: clinical testing. Allele origin: germline.
Comment: In summary, the available evidence is currently insufficient to determine the role of this variant in disease. Therefore, it has been classified as a Variant of Uncertain Significance. Algorithms developed to predict the effect of missense changes on protein structure and function output the following: SIFT: "Not Available"; PolyPhen-2: "Benign"; Align-GVGD: "Not Available". The leucine amino acid residue is found in multiple mammalian species, which suggests that this missense change does not adversely affect protein function. ClinVar contains an entry for this variant (Variation ID: 2179944). This variant has not been reported in the literature in individuals affected with CCDC8-related conditions. This variant is present in population databases (rs376925934, gnomAD 0.01%). This sequence change replaces serine, which is neutral and polar, with leucine, which is neutral and non-polar, at codon 237 of the CCDC8 protein (p.Ser237Leu).